The following is an entry in ClinVar:

NM_006846.4(SPINK5):c.823A>G (p.Lys275Glu)

Gene: SPINK5 (serine peptidase inhibitor Kazal type 5; plus strand). Cytogenetic location: 5q32.
Variant type: single nucleotide variant.
Coding change: c.823A>G on transcript NM_006846.4 (MANE Select); coding-DNA position 823, A replaced by G.
Protein change: p.Lys275Glu; replaces lysine 275 with glutamic acid.
Molecular consequence: missense variant.
Genome position (GRCh38, 1-based): chr5:148,095,846, A>G. VCF-style: chr5-148095846-A-G. GRCh37 (hg19) VCF-style: chr5-147475409-A-G.
Other names: c.823A>G, p.Lys275Glu (NM_001127698.2, NM_001127699.2); short protein forms K275E.
Identifiers: ClinVar variation 3683692 (VCV003683692.3).

ClinVar aggregate classification (germline): Uncertain significance. Review status: criteria provided, multiple submitters, no conflicts (2 of 4 stars). 2 submissions from 2 submitters: Uncertain significance (2). Last evaluated 2025-03-05.

Conditions:
Ichthyosis linearis circumflexa. Identifiers: MedGen C0265962, MONDO:0043106, HP:0025810.

Submissions (2):

GeneDx
Classification: Uncertain significance. Last evaluated: 2025-03-05. Review status: criteria provided, single submitter. Criteria: GeneDx Variant Classification Process June 2021. Collection method: clinical testing. Allele origin: germline. Affected: yes.
Comment: In silico analysis indicates that this missense variant does not alter protein structure/function; Has not been previously published as pathogenic or benign to our knowledge

Labcorp Genetics (formerly Invitae), Labcorp
Classification: Uncertain significance for Ichthyosis linearis circumflexa. Last evaluated: 2025-01-23. Review status: criteria provided, single submitter. Criteria: Invitae Variant Classification Sherloc (09022015). Collection method: clinical testing. Allele origin: germline.
Comment: This sequence change replaces lysine, which is basic and polar, with glutamic acid, which is acidic and polar, at codon 275 of the SPINK5 protein (p.Lys275Glu). This variant is present in population databases (no rsID available, gnomAD 0.01%). This variant has not been reported in the literature in individuals affected with SPINK5-related conditions. Invitae Evidence Modeling of protein sequence and biophysical properties (such as structural, functional, and spatial information, amino acid conservation, physicochemical variation, residue mobility, and thermodynamic stability) indicates that this missense variant is not expected to disrupt SPINK5 protein function with a negative predictive value of 80%. In summary, the available evidence is currently insufficient to determine the role of this variant in disease. Therefore, it has been classified as a Variant of Uncertain Significance.